The following is an entry in ClinVar:

NM_001378452.1(ITPR1):c.7737C>T (p.Leu2579=)

Genes: ITPR1 (inositol 1,4,5-trisphosphate receptor type 1; plus strand), LOC126806590 (MED14-independent group 3 enhancer GRCh37_chr3:4855759-4856958; plus strand). Cytogenetic location: 3p26.1.
Variant type: single nucleotide variant.
Coding change: c.7737C>T on transcript NM_001378452.1 (MANE Select); coding-DNA position 7737, C replaced by T.
Protein change: p.Leu2579=; no amino-acid change (leucine 2579 retained).
Molecular consequence: synonymous variant.
Genome position (GRCh38, 1-based): chr3:4,815,088, C>T. VCF-style: chr3-4815088-C-T. GRCh37 (hg19) VCF-style: chr3-4856772-C-T.
Other names: c.7593C>T, p.Leu2531= (NM_001099952.4); c.7692C>T, p.Leu2564= (NM_001168272.2); c.7548C>T, p.Leu2516= (NM_002222.7).
Identifiers: ClinVar variation 345785 (VCV000345785.14), dbSNP rs148734757, ClinGen allele CA2232976.

ClinVar aggregate classification (germline): Benign/Likely benign. Review status: criteria provided, multiple submitters, no conflicts (2 of 4 stars). 3 submissions from 3 submitters: Benign (2); Likely benign (1). Last evaluated 2025-11-06.

Conditions:
Autosomal dominant cerebellar ataxia. Also called: Spinocerebellar Ataxia, Dominant. Identifiers: Orphanet 99, MedGen C4087347, MONDO:0020380.

Allele frequency attached by ClinVar (database versions not stated): gnomAD 0.00011 and 0.00017; gnomAD exomes 0.00016 and 0.00035; TOPMed 0.00022; ExAC 0.00030; 1000 Genomes Project 0.00080; 1000 Genomes Project 30x 0.00094.
gnomAD v4.1: 258 of 1,613,802 alleles (0.016%); highest among the groups gnomAD compares: East Asian, 0.47%; 1 homozygote.

Submissions (3):

Labcorp Genetics (formerly Invitae), Labcorp
Classification: Benign. Last evaluated: 2025-11-06. Review status: criteria provided, single submitter. Criteria: Invitae Variant Classification Sherloc (09022015). Collection method: clinical testing. Allele origin: germline.

Blueprint Genetics
Classification: Likely benign. Last evaluated: 2024-08-30. Review status: criteria provided, single submitter. Criteria: ACMG Guidelines, 2015. Collection method: clinical testing. Allele origin: germline.

Illumina Laboratory Services, Illumina
Classification: Benign for Spinocerebellar Ataxia, Dominant. Last evaluated: 2018-01-12. Review status: criteria provided, single submitter. Criteria: ICSL Variant Classification Criteria 13 December 2019. Collection method: clinical testing. Allele origin: germline.
Comment: This variant was observed in the ICSL laboratory as part of a predisposition screen in an ostensibly healthy population. It had not been previously curated by ICSL or reported in the Human Gene Mutation Database (HGMD: prior to June 1st, 2018), and was therefore a candidate for classification through an automated scoring system. Utilizing variant allele frequency, disease prevalence and penetrance estimates, and inheritance mode, an automated score was calculated to assess if this variant is too frequent to cause the disease. Based on the score and internal cut-off values, a variant classified as benign is not then subjected to further curation. The score for this variant resulted in a classification of benign for this disease.